The following is an entry in ClinVar:

ClinVar aggregate classification (germline): Uncertain significance (1 of 4 stars; one submission).

Submission:

Ambry Genetics
Classification: Uncertain significance. Last evaluated: 2023-11-29. Review status: criteria provided, single submitter. Criteria: Ambry Variant Classification Scheme 2023. Collection method: clinical testing. Allele origin: germline.
Comment: The p.S1786N variant (also known as c.5357G>A), located in coding exon 16 of the POLQ gene, results from a G to A substitution at nucleotide position 5357. The serine at codon 1786 is replaced by asparagine, an amino acid with highly similar properties. This amino acid position is conserved. In addition, this alteration is predicted to be tolerated by in silico analysis. Since supporting evidence is limited at this time, the clinical significance of this alteration remains unclear.

NM_199420.4(POLQ):c.5357G>A (p.Ser1786Asn)

Gene: POLQ (DNA polymerase theta; minus strand). Cytogenetic location: 3q13.33.
Variant type: single nucleotide variant.
Coding change: c.5357G>A on transcript NM_199420.4 (MANE Select); coding-DNA position 5357, G replaced by A.
Protein change: p.Ser1786Asn; replaces serine 1786 with asparagine.
Molecular consequence: missense variant.
Genome position (GRCh38, 1-based): chr3:121,487,574, C>T on the plus strand (G>A on the coding strand, the complement: POLQ is on the minus strand). VCF-style: chr3-121487574-C-T. GRCh37 (hg19) VCF-style: chr3-121206421-C-T.
Other names: short protein forms S1786N.
Identifiers: ClinVar variation 3230054 (VCV003230054.1), dbSNP rs2048022697, ClinGen allele CA354090433.